The following is an entry in ClinVar:

NM_001379270.1(CNGA1):c.370AAGAAAAAG[1] (p.Lys127_Lys129del)

Genes: CNGA1 (cyclic nucleotide gated channel subunit alpha 1; minus strand), LOC101927157 (uncharacterized LOC101927157; plus strand). Cytogenetic location: 4p12.
Variant type: Microsatellite.
Coding change: c.370AAGAAAAAG[1] on transcript NM_001379270.1 (MANE Select); one copy of the 9-base unit AAGAAAAAG starting at c.370; the reference has two copies in a row; one copy, 9 bases deleted.
Protein change: p.Lys127_Lys129del.
Molecular consequence: inframe deletion.
Genome position (GRCh38, 1-based): chr4:47,943,231-47,943,239, CTTTTTCTT deleted on the plus strand (AAGAAAAAG on the coding strand, the reverse complement: CNGA1 is on the minus strand); deleting any 9 consecutive bases within chr4:47,943,231-47,943,250 gives the same sequence; the position shown is the placement nearest the transcript's 3' end. VCF-style (leftmost placement, unchanged base first): chr4-47943230-CCTTTTTCTT-C. GRCh37 (hg19) VCF-style: chr4-47945247-CCTTTTTCTT-C.
Other names: c.370AAGAAAAAG[1], p.Lys127_Lys129del (NM_000087.5, NM_001142564.2).
Identifiers: ClinVar variation 1497018 (VCV001497018.9), dbSNP rs1343727340, ClinGen allele CA551314641.

ClinVar aggregate classification (germline): Uncertain significance. Review status: criteria provided, multiple submitters, no conflicts (2 of 4 stars). 2 submissions from 2 submitters: Uncertain significance (2). Last evaluated 2023-04-14.

Submissions (2):

Blueprint Genetics
Classification: Uncertain significance. Last evaluated: 2023-04-14. Review status: criteria provided, single submitter. Criteria: ACMG Guidelines, 2015. Collection method: clinical testing. Allele origin: germline.

Labcorp Genetics (formerly Invitae), Labcorp
Classification: Uncertain significance. Last evaluated: 2022-04-24. Review status: criteria provided, single submitter. Criteria: Invitae Variant Classification Sherloc (09022015). Collection method: clinical testing. Allele origin: germline.
Comment: In summary, the available evidence is currently insufficient to determine the role of this variant in disease. Therefore, it has been classified as a Variant of Uncertain Significance. Experimental studies and prediction algorithms are not available or were not evaluated, and the functional significance of this variant is currently unknown. This variant has not been reported in the literature in individuals affected with CNGA1-related conditions. The frequency data for this variant in the population databases is considered unreliable, as metrics indicate poor data quality at this position in the gnomAD database. This variant, c.391_399del, results in the deletion of 3 amino acid(s) of the CNGA1 protein (p.Lys131_Lys133del), but otherwise preserves the integrity of the reading frame.